The following is an entry in ClinVar:

NM_020778.5(ALPK3):c.1549C>G (p.Pro517Ala)

Genes: ALPK3 (alpha kinase 3; plus strand), LOC111718493 (skeletal muscle cis-regulatory module overlapping ALPK3; plus strand). Cytogenetic location: 15q25.3.
Variant type: single nucleotide variant.
Coding change: c.1549C>G on transcript NM_020778.5 (MANE Select); coding-DNA position 1549, C replaced by G.
Protein change: p.Pro517Ala; replaces proline 517 with alanine.
Molecular consequence: missense variant.
Genome position (GRCh38, 1-based): chr15:84,840,828, C>G. VCF-style: chr15-84840828-C-G. GRCh37 (hg19) VCF-style: chr15-85384059-C-G.
Other names: short protein forms P517A.
Identifiers: ClinVar variation 3533597 (VCV003533597.4).
Genomic context (GRCh38, chr15:84,840,828, plus strand): 5'-AAGCCCATTTCTTCTCTGAGTCAAGCTCCAGAATGCGGGGCCCAGAGCTTAGGAAAGGCC[C>G]CACCTCAGGCCTCTGTGCAGGTGCCGACGCCCCCTGCCCGGCGGAGACATGGCACCCGGG-3'
Protein context (NP_065829.4, residues 507-527): ECGAQSLGKA[Pro517Ala]PQASVQVPTP

ClinVar aggregate classification (germline): Conflicting classifications of pathogenicity. Review status: criteria provided, conflicting classifications (1 of 4 stars). 2 submissions from 2 submitters: Uncertain significance (1); Likely benign (1). Last evaluated 2024-12-19.

Conditions:
Cardiovascular phenotype. Identifiers: MedGen CN230736.

Submissions (2):

Ambry Genetics
Classification: Likely benign for Cardiovascular phenotype. Last evaluated: 2024-12-19. Review status: criteria provided, single submitter. Criteria: Ambry Variant Classification Scheme 2023. Collection method: clinical testing. Allele origin: germline.

Labcorp Genetics (formerly Invitae), Labcorp
Classification: Uncertain significance. Last evaluated: 2024-06-13. Review status: criteria provided, single submitter. Criteria: Invitae Variant Classification Sherloc (09022015). Collection method: clinical testing. Allele origin: germline.
Comment: This sequence change replaces proline, which is neutral and non-polar, with alanine, which is neutral and non-polar, at codon 719 of the ALPK3 protein (p.Pro719Ala). This variant is not present in population databases (gnomAD no frequency). This variant has not been reported in the literature in individuals affected with ALPK3-related conditions. An algorithm developed to predict the effect of missense changes on protein structure and function (PolyPhen-2) suggests that this variant is likely to be tolerated. In summary, the available evidence is currently insufficient to determine the role of this variant in disease. Therefore, it has been classified as a Variant of Uncertain Significance.